The following is an entry in ClinVar:

NM_001142800.2(EYS):c.5672A>T (p.Asp1891Val)

Gene: EYS (EGF-like photoreceptor maintenance factor; minus strand). Cytogenetic location: 6q12.
Variant type: single nucleotide variant.
Coding change: c.5672A>T on transcript NM_001142800.2 (MANE Select); coding-DNA position 5672, A replaced by T.
Protein change: p.Asp1891Val; replaces aspartic acid 1891 with valine.
Molecular consequence: missense variant.
Genome position (GRCh38, 1-based): chr6:64,439,325, T>A on the plus strand (A>T on the coding strand, the complement: EYS is on the minus strand). VCF-style: chr6-64439325-T-A. GRCh37 (hg19) VCF-style: chr6-65149218-T-A.
Other names: c.5672A>T, p.Asp1891Val (NM_001292009.2); short protein forms D1891V.
Identifiers: ClinVar variation 2190239 (VCV002190239.5), dbSNP rs1290506997, ClinGen allele CA364392865.
Genomic context (GRCh38, chr6:64,439,325, plus strand): 5'-AATTCTAGGGAGATGTTATTTTGTGGATTTAAAGCCACATTCTGAAATTCTAGATAAGAA[T>A]CTCCATAATAACGAACACAACTGAAATCTGTGGAGTCAGAAAGAAAATACAATTTAGGTT-3'
Protein context (NP_001136272.1, residues 1881-1901): SDFSCVRYYG[Asp1891Val]SYLEFQNVAL

ClinVar aggregate classification (germline): Uncertain significance. Review status: criteria provided, multiple submitters, no conflicts (2 of 4 stars). 2 submissions from 2 submitters: Uncertain significance (2). Last evaluated 2022-08-22.

Allele frequency attached by ClinVar (database versions not stated): gnomAD exomes below 0.00001.
gnomAD v4.1: 3 of 1,511,580 alleles (0.0002%); highest among the groups gnomAD compares: Non-Finnish European, 0.000088%; no homozygotes.

Submissions (2):

Labcorp Genetics (formerly Invitae), Labcorp
Classification: Uncertain significance. Last evaluated: 2022-08-22. Review status: criteria provided, single submitter. Criteria: Invitae Variant Classification Sherloc (09022015). Collection method: clinical testing. Allele origin: germline.
Comment: In summary, the available evidence is currently insufficient to determine the role of this variant in disease. Therefore, it has been classified as a Variant of Uncertain Significance. Algorithms developed to predict the effect of missense changes on protein structure and function are either unavailable or do not agree on the potential impact of this missense change (SIFT: "Deleterious"; PolyPhen-2: "Possibly Damaging"; Align-GVGD: "Class C15"). This variant has not been reported in the literature in individuals affected with EYS-related conditions. This variant is present in population databases (no rsID available, gnomAD 0.007%). This sequence change replaces aspartic acid, which is acidic and polar, with valine, which is neutral and non-polar, at codon 1891 of the EYS protein (p.Asp1891Val).

Blueprint Genetics
Classification: Uncertain significance. Last evaluated: 2019-07-23. Review status: criteria provided, single submitter. Criteria: ACMG Guidelines, 2015. Collection method: clinical testing. Allele origin: germline.